The following is an entry in ClinVar:

NM_002016.2(FLG):c.7662dup (p.Glu2555fs)

Genes: CCDST (cervical cancer associated DHX9 suppressive transcript; plus strand), FLG (filaggrin; minus strand). Cytogenetic location: 1q21.3.
Variant type: Duplication.
Coding change: c.7662dup on transcript NM_002016.2 (MANE Select); coding-DNA position 7662, one base duplicated (A; older notation c.7662dupA).
Protein change: p.Glu2555fs; shifts the reading frame from glutamic acid 2555.
Molecular consequence: frameshift variant.
Genome position (GRCh38, 1-based): chr1:152,307,224, T duplicated on the plus strand (A on the coding strand, the reverse complement: FLG is on the minus strand). VCF-style (leftmost placement, unchanged base first): chr1-152307223-C-CT. GRCh37 (hg19) VCF-style: chr1-152279699-C-CT.
Other names: short protein forms E2555fs.
Identifiers: ClinVar variation 3393541 (VCV003393541.1).

ClinVar aggregate classification (germline): Pathogenic (1 of 4 stars; one submission).

Submission:

GeneDx
Classification: Pathogenic. Last evaluated: 2024-07-01. Review status: criteria provided, single submitter. Criteria: GeneDx Variant Classification Process June 2021. Collection method: clinical testing. Allele origin: germline. Affected: yes.
Comment: Frameshift variant predicted to result in abnormal protein length as the last 1507 amino acids are replaced with 13 different amino acids, and other similar variants have been reported in HGMD; Has not been previously published as pathogenic or benign to our knowledge; This variant is associated with the following publications: (PMID: 16444271)